The following is an entry in ClinVar:

NM_000540.3(RYR1):c.13378A>G (p.Thr4460Ala)

Gene: RYR1 (ryanodine receptor 1; plus strand). Cytogenetic location: 19q13.2.
Variant type: single nucleotide variant.
Coding change: c.13378A>G on transcript NM_000540.3 (MANE Select); coding-DNA position 13378, A replaced by G.
Protein change: p.Thr4460Ala; replaces threonine 4460 with alanine.
Molecular consequence: missense variant.
Genome position (GRCh38, 1-based): chr19:38,565,712, A>G. VCF-style: chr19-38565712-A-G. GRCh37 (hg19) VCF-style: chr19-39056352-A-G.
Other names: p.Thr4460Ala; c.13363A>G, p.Thr4455Ala (NM_001042723.2); c.13378A>G (NM_000540.2); short protein forms T4455A, T4460A.
Identifiers: ClinVar variation 1424454 (VCV001424454.11), dbSNP rs1381604416, ClinGen allele CA405675376.

ClinVar aggregate classification (germline): Uncertain significance. Review status: criteria provided, multiple submitters, no conflicts (2 of 4 stars). 4 submissions from 4 submitters: Uncertain significance (4). Last evaluated 2026-03-19.

Conditions:
RYR1-related disorder. Also called: RYR1-related condition; RYR1-related disorders. Identifiers: MedGen CN239331.
Inborn genetic diseases. Identifiers: MedGen C0950123, MeSH D030342.

Allele frequency attached by ClinVar (database versions not stated): TOPMed 0.00002; gnomAD 0.00001; gnomAD exomes below 0.00001.
gnomAD v4.1: 8 of 1,428,298 alleles (0.00056%); highest among the groups gnomAD compares: African/African-American, 0.003%; no homozygotes.

Submissions (4):

Ambry Genetics
Classification: Uncertain significance for Inborn genetic diseases. Last evaluated: 2026-03-19. Review status: criteria provided, single submitter. Criteria: Ambry Variant Classification Scheme 2023. Collection method: clinical testing. Allele origin: germline.

GeneDx
Classification: Uncertain significance. Last evaluated: 2025-04-29. Review status: criteria provided, single submitter. Criteria: GeneDx Variant Classification Process June 2021. Collection method: clinical testing. Allele origin: germline. Affected: yes.
Comment: Not observed at significant frequency in large population cohorts (gnomAD); In silico analysis indicates that this missense variant does not alter protein structure/function; Has not been previously published as pathogenic or benign to our knowledge

Labcorp Genetics (formerly Invitae), Labcorp
Classification: Uncertain significance for RYR1-related disorder. Last evaluated: 2024-11-17. Review status: criteria provided, single submitter. Criteria: Invitae Variant Classification Sherloc (09022015). Collection method: clinical testing. Allele origin: germline.
Comment: This sequence change replaces threonine, which is neutral and polar, with alanine, which is neutral and non-polar, at codon 4460 of the RYR1 protein (p.Thr4460Ala). This variant is not present in population databases (gnomAD no frequency). This variant has not been reported in the literature in individuals affected with RYR1-related conditions. ClinVar contains an entry for this variant (Variation ID: 1424454). Invitae Evidence Modeling of protein sequence and biophysical properties (such as structural, functional, and spatial information, amino acid conservation, physicochemical variation, residue mobility, and thermodynamic stability) has been performed for this missense variant. However, the output from this modeling did not meet the statistical confidence thresholds required to predict the impact of this variant on RYR1 protein function. In summary, the available evidence is currently insufficient to determine the role of this variant in disease. Therefore, it has been classified as a Variant of Uncertain Significance.

Mayo Clinic Laboratories, Mayo Clinic
Classification: Uncertain significance. Last evaluated: 2023-09-15. Review status: criteria provided, single submitter. Criteria: ACMG Guidelines, 2015. Collection method: clinical testing. Allele origin: germline. Observed: 1 variant allele.